The following is an entry in ClinVar:

NM_000088.4(COL1A1):c.4257C>T (p.Thr1419=)

Gene: COL1A1 (collagen type I alpha 1 chain; minus strand). Cytogenetic location: 17q21.33.
Variant type: single nucleotide variant.
Coding change: c.4257C>T on transcript NM_000088.4 (MANE Select); coding-DNA position 4257, C replaced by T.
Protein change: p.Thr1419=; no amino-acid change (threonine 1419 retained).
Molecular consequence: synonymous variant.
Genome position (GRCh38, 1-based): chr17:50,185,640, G>A on the plus strand (C>T on the coding strand, the complement: COL1A1 is on the minus strand). VCF-style: chr17-50185640-G-A. GRCh37 (hg19) VCF-style: chr17-48263001-G-A.
Other names: p.Thr1419=.
Identifiers: ClinVar variation 456788 (VCV000456788.25), dbSNP rs144134990, ClinGen allele CA8644195.

ClinVar aggregate classification (germline): Benign/Likely benign. Review status: criteria provided, multiple submitters, no conflicts (2 of 4 stars). 9 submissions from 9 submitters: Benign (6); Likely benign (3). Last evaluated 2026-09-21.

Conditions:
Osteogenesis imperfecta type I (OI1). Also called: OI, TYPE I; OSTEOGENESIS IMPERFECTA TARDA; OSTEOGENESIS IMPERFECTA WITH BLUE SCLERAE; Osteogenesis imperfecta type 1; Lobstein's Disease; Classic Non-deforming Osteogenesis Imperfecta with Blue Sclerae. Identifiers: Orphanet 216796, Orphanet 666, MedGen C0023931, MONDO:0008146, OMIM 166200. Disease mechanism: loss of function.
Cardiovascular phenotype. Identifiers: MedGen CN230736.

Allele frequency attached by ClinVar (database versions not stated): gnomAD exomes 0.00042 and 0.00064; ExAC 0.00075; 1000 Genomes Project 0.00180; gnomAD 0.00230 and 0.00245; 1000 Genomes Project 30x 0.00234; TOPMed 0.00236; ESP Exome Variant Server 0.00238.
gnomAD v4.1: 969 of 1,613,862 alleles (0.06%); highest among the groups gnomAD compares: African/African-American, 0.8%; 2 homozygotes.

Submissions (9):

Molecular Diagnostic Laboratory for Inherited Cardiovascular Disease, Montreal Heart Institute
Classification: Likely benign. Last evaluated: 2026-09-21. Review status: criteria provided, single submitter. Criteria: ACMG Guidelines, 2015. Collection method: clinical testing. Allele origin: germline. Affected: no.
Comment: BS1;BP7

Labcorp Genetics (formerly Invitae), Labcorp
Classification: Benign for Osteogenesis imperfecta type I. Last evaluated: 2026-01-06. Review status: criteria provided, single submitter. Criteria: Invitae Variant Classification Sherloc (09022015). Collection method: clinical testing. Allele origin: germline.

CeGaT Center for Human Genetics Tuebingen
Classification: Likely benign. Last evaluated: 2025-10-01. Review status: criteria provided, single submitter. Criteria: CeGaT Center For Human Genetics Tuebingen Variant Classification Criteria Version 2. Collection method: clinical testing. Allele origin: germline. Affected: yes. Observed: 1 variant allele.
Comment: COL1A1: BP4, BP7

Women's Health and Genetics/Laboratory Corporation of America, LabCorp
Classification: Benign. Last evaluated: 2025-06-26. Review status: criteria provided, single submitter. Criteria: LabCorp Variant Classification Summary - May 2015. Collection method: clinical testing. Allele origin: germline.

Blueprint Genetics
Classification: Benign. Last evaluated: 2024-10-22. Review status: criteria provided, single submitter. Criteria: ACMG Guidelines, 2015. Collection method: clinical testing. Allele origin: germline.

ARUP Laboratories, Molecular Genetics and Genomics, ARUP Laboratories
Classification: Benign. Last evaluated: 2023-03-15. Review status: criteria provided, single submitter. Criteria: ARUP Molecular Germline Variant Investigation Process 2024. Collection method: clinical testing. Allele origin: germline.

Mayo Clinic Laboratories, Mayo Clinic
Classification: Benign. Last evaluated: 2022-10-18. Review status: criteria provided, single submitter. Criteria: ACMG Guidelines, 2015. Collection method: clinical testing. Allele origin: germline. Observed: 3 variant alleles.
Comment: BS1, BS2, BP4

Ambry Genetics
Classification: Likely benign for Cardiovascular phenotype. Last evaluated: 2019-08-10. Review status: criteria provided, single submitter. Criteria: Ambry Variant Classification Scheme 2023. Collection method: clinical testing. Allele origin: germline.

GeneDx
Classification: Benign. Last evaluated: 2017-05-22. Review status: criteria provided, single submitter. Criteria: GeneDx Variant Classification (06012015). Collection method: clinical testing. Allele origin: germline. Affected: yes.
Comment: This variant is considered likely benign or benign based on one or more of the following criteria: it is a conservative change, it occurs at a poorly conserved position in the protein, it is predicted to be benign by multiple in silico algorithms, and/or has population frequency not consistent with disease.

Literature cited by the submitters: PubMed 18272325 (cited by Women's Health and Genetics/Laboratory Corporation of America, LabCorp).